The following is an entry in ClinVar:

NM_001040108.2(MLH3):c.70C>T (p.Gln24Ter)

Gene: MLH3 (mutL homolog 3; minus strand). Cytogenetic location: 14q24.3.
Variant type: single nucleotide variant.
Coding change: c.70C>T on transcript NM_001040108.2 (MANE Select); coding-DNA position 70, C replaced by T.
Protein change: p.Gln24Ter; replaces glutamine 24 with a stop codon.
Molecular consequence: nonsense.
Genome position (GRCh38, 1-based): chr14:75,049,586, G>A on the plus strand (C>T on the coding strand, the complement: MLH3 is on the minus strand). VCF-style: chr14-75049586-G-A. GRCh37 (hg19) VCF-style: chr14-75516289-G-A.
Other names: c.70C>T, p.Gln24Ter (NM_014381.3); short protein forms Q24*.
Identifiers: ClinVar variation 1757165 (VCV001757165.3), dbSNP rs28937870, ClinGen allele CA390451759.

ClinVar aggregate classification (germline): Likely pathogenic (1 of 4 stars; one submission).

Submission:

Ambry Genetics
Classification: Likely pathogenic. Last evaluated: 2026-06-01. Review status: criteria provided, single submitter. Criteria: Ambry Variant Classification Scheme 2023. Collection method: clinical testing. Allele origin: germline.
Comment: The p.Q24* variant (also known as c.70C>T), located in coding exon 1 of the MLH3 gene, results from a C to T substitution at nucleotide position 70. This changes the amino acid from a glutamine to a stop codon within coding exon 1. The predicted stop codon occurs in the 5&rsquo; end of the MLH3 gene. Premature termination codons in the 5&rsquo; end of a gene have been reported to escape nonsense-mediated mRNA decay and/or lead to re-initiation (Rivas et al. Science. 2015 May 8;348(6235):666-9; Lindeboom et al. Nat Genet. 2016 Oct;48(10):1112-8; Rhee et al. Sci Rep. 2017 May 10;7(1):1653). The exact functional effect of this alteration is unknown. This variant is considered to be rare based on population cohorts in the Genome Aggregation Database (gnomAD). Based on the majority of available evidence to date, this variant is likely to be pathogenic.